The following is an entry in ClinVar:

NM_001849.4(COL6A2):c.13A>T (p.Thr5Ser)

Gene: COL6A2 (collagen type VI alpha 2 chain; plus strand). Cytogenetic location: 21q22.3.
Variant type: single nucleotide variant.
Coding change: c.13A>T on transcript NM_001849.4 (MANE Select); coding-DNA position 13, A replaced by T.
Protein change: p.Thr5Ser; replaces threonine 5 with serine.
Molecular consequence: missense variant.
Genome position (GRCh38, 1-based): chr21:46,111,489, A>T. VCF-style: chr21-46111489-A-T. GRCh37 (hg19) VCF-style: chr21-47531403-A-T.
Other names: c.13A>T, p.Thr5Ser (NM_058174.3, NM_058175.3); short protein forms T5S.
Identifiers: ClinVar variation 4803232 (VCV004803232.1).
Genomic context (GRCh38, chr21:46,111,489, plus strand): 5'-CGACCCCCACCCCTGTTGCAGGACTTCAGGGCCACAGGTGCTGCCAAGATGCTCCAGGGC[A>T]CCTGCTCCGTGCTCCTGCTCTGGGGAATCCTGGGGGCCATCCAGGCCCAGCAGCAGGAGG-3'
Protein context (NP_001840.3, residues 1-15): MLQG[Thr5Ser]CSVLLLWGIL

ClinVar aggregate classification (germline): Uncertain significance (1 of 4 stars; one submission).

Conditions:
Bethlem myopathy 1A. Also called: MYOPATHY, BENIGN CONGENITAL, WITH CONTRACTURES; Bethlem myopathy 1; Bethlem Muscular Dystrophy. Identifiers: Orphanet 610, MedGen CN029274, MONDO:0024530, OMIM 158810.

Submission:

Labcorp Genetics (formerly Invitae), Labcorp
Classification: Uncertain significance for Bethlem myopathy 1A. Last evaluated: 2025-10-29. Review status: criteria provided, single submitter. Criteria: Invitae Variant Classification Sherloc (09022015). Collection method: clinical testing. Allele origin: germline.
Comment: This sequence change replaces threonine, which is neutral and polar, with serine, which is neutral and polar, at codon 5 of the COL6A2 protein (p.Thr5Ser). This variant is not present in population databases (gnomAD no frequency). This variant has not been reported in the literature in individuals affected with COL6A2-related conditions. Invitae Evidence Modeling of protein sequence and biophysical properties (such as structural, functional, and spatial information, amino acid conservation, physicochemical variation, residue mobility, and thermodynamic stability) indicates that this missense variant is not expected to disrupt COL6A2 protein function with a negative predictive value of 95%. In summary, the available evidence is currently insufficient to determine the role of this variant in disease. Therefore, it has been classified as a Variant of Uncertain Significance.